The following is an entry in ClinVar:

NM_017617.5(NOTCH1):c.2125C>A (p.His709Asn)

Gene: NOTCH1 (notch receptor 1; minus strand). Cytogenetic location: 9q34.3.
Variant type: single nucleotide variant.
Coding change: c.2125C>A on transcript NM_017617.5 (MANE Select); coding-DNA position 2125, C replaced by A.
Protein change: p.His709Asn; replaces histidine 709 with asparagine.
Molecular consequence: missense variant.
Genome position (GRCh38, 1-based): chr9:136,514,592, G>T on the plus strand (C>A on the coding strand, the complement: NOTCH1 is on the minus strand). VCF-style: chr9-136514592-G-T. GRCh37 (hg19) VCF-style: chr9-139409044-G-T.
Other names: short protein forms H709N.
Identifiers: ClinVar variation 1488047 (VCV001488047.8), dbSNP rs2133360792, ClinGen allele CA375558686.

ClinVar aggregate classification (germline): Uncertain significance (1 of 4 stars; one submission).

Conditions:
Adams-Oliver syndrome 5 (AOS5). Identifiers: Orphanet 974, MedGen C4014970, MONDO:0014459, OMIM 616028.

gnomAD v4.1: 1 of 1,608,806 alleles (0.000062%); highest among the groups gnomAD compares: Non-Finnish European, 0.000085%; no homozygotes.

Submission:

Labcorp Genetics (formerly Invitae), Labcorp
Classification: Uncertain significance for Adams-Oliver syndrome 5. Last evaluated: 2021-06-27. Review status: criteria provided, single submitter. Criteria: Invitae Variant Classification Sherloc (09022015). Collection method: clinical testing. Allele origin: germline.
Comment: Advanced modeling of protein sequence and biophysical properties (such as structural, functional, and spatial information, amino acid conservation, physicochemical variation, residue mobility, and thermodynamic stability) performed at Invitae indicates that this missense variant is not expected to disrupt NOTCH1 protein function. This variant has not been reported in the literature in individuals with NOTCH1-related conditions. This variant is not present in population databases (ExAC no frequency). This sequence change replaces histidine with asparagine at codon 709 of the NOTCH1 protein (p.His709Asn). The histidine residue is highly conserved and there is a small physicochemical difference between histidine and asparagine. In summary, the available evidence is currently insufficient to determine the role of this variant in disease. Therefore, it has been classified as a Variant of Uncertain Significance.